The following is an entry in ClinVar:

ClinVar aggregate classification (germline): Likely benign (1 of 4 stars; one submission).

Conditions:
Autosomal recessive distal spinal muscular atrophy 1. Also called: HMN VI; NEURONOPATHY, SEVERE INFANTILE AXONAL, WITH RESPIRATORY FAILURE; SEVERE INFANTILE AXONAL NEUROPATHY WITH RESPIRATORY FAILURE; SPINAL MUSCULAR ATROPHY, DIAPHRAGMATIC; Spinal muscular atrophy with respiratory distress 1; NEURONOPATHY, DISTAL HEREDITARY MOTOR, HARDING TYPE VI. Identifiers: Orphanet 98920, MedGen C1858517, MONDO:0011436, OMIM 604320.

Allele frequency attached by ClinVar (database versions not stated): TOPMed 0.00162; 1000 Genomes Project 0.00220; 1000 Genomes Project 30x 0.00265.

Submission:

Illumina Laboratory Services, Illumina
Classification: Likely benign for Autosomal recessive distal spinal muscular atrophy 1. Last evaluated: 2018-01-12. Review status: criteria provided, single submitter. Criteria: ICSL Variant Classification Criteria 13 December 2019. Collection method: clinical testing. Allele origin: germline.
Comment: This variant was observed in the ICSL laboratory as part of a predisposition screen in an ostensibly healthy population. It had not been previously curated by ICSL or reported in the Human Gene Mutation Database (HGMD: prior to June 1st, 2018), and was therefore a candidate for classification through an automated scoring system. Utilizing variant allele frequency, disease prevalence and penetrance estimates, and inheritance mode, an automated score was calculated to assess if this variant is too frequent to cause the disease. Based on the score and internal cut-off values, a variant classified as likely benign is not then subjected to further curation. The score for this variant resulted in a classification of likely benign for this disease.

NM_002180.3(IGHMBP2):c.*729G>A

Gene: IGHMBP2 (immunoglobulin mu DNA binding protein 2; plus strand). Cytogenetic location: 11q13.3.
Variant type: single nucleotide variant.
Coding change: c.*729G>A on transcript NM_002180.3 (MANE Select); 729 bases downstream of the stop codon, G replaced by A.
Molecular consequence: 3 prime UTR variant.
Genome position (GRCh38, 1-based): chr11:68,940,460, G>A. VCF-style: chr11-68940460-G-A. GRCh37 (hg19) VCF-style: chr11-68707928-G-A.
Identifiers: ClinVar variation 881118 (VCV000881118.4), dbSNP rs191714559, ClinGen allele CA223416730.